The following is an entry in ClinVar:

NM_012434.5(SLC17A5):c.553A>G (p.Met185Val)

Gene: SLC17A5 (solute carrier family 17 member 5; minus strand). Cytogenetic location: 6q13.
Variant type: single nucleotide variant.
Coding change: c.553A>G on transcript NM_012434.5 (MANE Select); coding-DNA position 553, A replaced by G.
Protein change: p.Met185Val; replaces methionine 185 with valine.
Molecular consequence: missense variant.
Genome position (GRCh38, 1-based): chr6:73,638,472, T>C on the plus strand (A>G on the coding strand, the complement: SLC17A5 is on the minus strand). VCF-style: chr6-73638472-T-C. GRCh37 (hg19) VCF-style: chr6-74348195-T-C.
Other names: p.Met185Val; short protein forms M185V.
Identifiers: ClinVar variation 558968 (VCV000558968.26), dbSNP rs34348416, ClinGen allele CA3890504.

ClinVar aggregate classification (germline): Benign/Likely benign. Review status: criteria provided, multiple submitters, no conflicts (2 of 4 stars). 9 submissions from 8 submitters: Benign (2); Likely benign (6). 1 of the submissions does not count toward it. Last evaluated 2026-02-02.

Conditions:
Inborn genetic diseases. Identifiers: MedGen C0950123, MeSH D030342.
Salla disease (SD). Also called: Sialuria, Finnish type; N-acetylneuraminic acid (NANA) storage disease (NSD); Infantile sialic acid storage disorder (ISSD); Less Severe FSASD (Salla Disease). Identifiers: Orphanet 309334, Orphanet 834, MedGen C1096903, MONDO:0011449, OMIM 604369.
Sialic acid storage disease, severe infantile type (ISSD). Also called: INFANTILE SIALIC ACID STORAGE DISORDER; Infantile Sialic Acid Storage Disease; SIALURIA, INFANTILE FORM; Free sialic acid storage disease, infantile form; N-ACETYLNEURAMINIC ACID STORAGE DISEASE; NANA STORAGE DISEASE. Identifiers: Orphanet 309324, Orphanet 834, MedGen C1096902, MONDO:0010027, OMIM 269920.

Allele frequency attached by ClinVar (database versions not stated): gnomAD exomes 0.00023 and 0.00066; ExAC 0.00079; 1000 Genomes Project 0.00240; gnomAD 0.00241 and 0.00257; 1000 Genomes Project 30x 0.00265; TOPMed 0.00285; ESP Exome Variant Server 0.00369.

Submissions (9):

Women's Health and Genetics/Laboratory Corporation of America, LabCorp
Classification: Likely benign. Last evaluated: 2026-02-02. Review status: criteria provided, single submitter. Criteria: LabCorp Variant Classification Summary - May 2015. Collection method: clinical testing. Allele origin: germline.
Comment: Variant summary: SLC17A5 c.553A>G (p.Met185Val) results in a conservative amino acid change in the encoded protein sequence. Algorithms developed to predict the effect of missense changes on protein structure and function are either unavailable or do not agree on the potential impact of this missense change. The variant allele was found at a frequency of 0.00066 in 251348 control chromosomes, predominantly at a frequency of 0.0092 within the African or African-American subpopulation in the gnomAD database, including 2 homozygotes. The observed variant frequency within African or African-American control individuals in the gnomAD database exceeds the estimated maximal expected allele frequency for disease-causing variants in SLC17A5. To our knowledge, no occurrence of c.553A>G in individuals affected with SLC17A5-related conditions and no experimental evidence demonstrating its impact on protein function have been reported. ClinVar contains an entry for this variant (Variation ID: 558968). Based on the evidence outlined above, the variant was classified as likely benign.

Labcorp Genetics (formerly Invitae), Labcorp
Classification: Likely benign for Salla disease. Last evaluated: 2026-01-20. Review status: criteria provided, single submitter. Criteria: Invitae Variant Classification Sherloc (09022015). Collection method: clinical testing. Allele origin: germline.

Ambry Genetics
Classification: Likely benign for Inborn genetic diseases. Last evaluated: 2025-08-13. Review status: criteria provided, single submitter. Criteria: Ambry Variant Classification Scheme 2023. Collection method: clinical testing. Allele origin: germline.

Mayo Clinic Laboratories, Mayo Clinic
Classification: Likely benign. Last evaluated: 2025-05-02. Review status: criteria provided, single submitter. Criteria: ACMG Guidelines, 2015. Collection method: clinical testing. Allele origin: germline. Observed: 4 variant alleles.
Comment: BS1, BP4

Blueprint Genetics
Classification: Likely benign. Last evaluated: 2024-10-08. Review status: criteria provided, single submitter. Criteria: ACMG Guidelines, 2015. Collection method: clinical testing. Allele origin: germline.

Illumina Laboratory Services, Illumina
Classification: Benign for Salla disease. Last evaluated: 2017-04-28. Review status: criteria provided, single submitter. Criteria: ICSL Variant Classification Criteria 13 December 2019. Collection method: clinical testing. Allele origin: germline.
Comment: This variant was observed as part of a predisposition screen in an ostensibly healthy population. A literature search was performed for the gene, cDNA change, and amino acid change (where applicable). No publications were found based on this search. Allele frequency data from public databases was too high to be consistent with this variant causing disease. Therefore, this variant is classified as benign.

Illumina Laboratory Services, Illumina
Classification: Benign for Sialic acid storage disease, severe infantile type. Last evaluated: 2017-04-28. Review status: criteria provided, single submitter. Criteria: ICSL Variant Classification Criteria 13 December 2019. Collection method: clinical testing. Allele origin: germline.
Comment: the same text as in the submission from Illumina Laboratory Services, Illumina above.

Breakthrough Genomics
Classification: Likely benign. Review status: criteria provided, single submitter. Criteria: ACMG Guidelines, 2015. Collection method: not provided. Allele origin: germline. Inheritance: Autosomal recessive inheritance. Affected: yes.

Natera, Inc.
Classification: Benign for Salla disease. Last evaluated: 2019-12-24. Review status: no assertion criteria provided. Collection method: clinical testing. Allele origin: germline. Not counted in ClinVar's aggregate classification.